The following is an entry in ClinVar:

NM_000284.4(PDHA1):c.117+6A>C

Gene: PDHA1 (pyruvate dehydrogenase E1 subunit alpha 1; plus strand). Cytogenetic location: Xp22.12.
Variant type: single nucleotide variant.
Coding change: c.117+6A>C on transcript NM_000284.4 (MANE Select); 6 bases into the intron after coding-DNA position 117, A replaced by C.
Molecular consequence: intron variant.
Genome position (GRCh38, 1-based): chrX:19,349,377, A>C. VCF-style: chrX-19349377-A-C. GRCh37 (hg19) VCF-style: chrX-19367495-A-C.
Other names: c.231+6A>C (NM_001173454.2); c.117+6A>C (NM_001173455.2, NM_001173456.2).
Identifiers: ClinVar variation 3671728 (VCV003671728.1).

ClinVar aggregate classification (germline): Uncertain significance (1 of 4 stars; one submission).

Conditions:
Pyruvate dehydrogenase E1-alpha deficiency (PDHAD). Also called: ATAXIA, INTERMITTENT, WITH PYRUVATE DEHYDROGENASE DEFICIENCY; ATAXIA WITH LACTIC ACIDOSIS I; ATAXIA, INTERMITTENT, WITH ABNORMAL PYRUVATE METABOLISM; Ataxia, intermittent, with pyruvate dehydrogenase, or decarboxylase, deficiency. Identifiers: Orphanet 79243, MedGen C1839413, MONDO:0010717, OMIM 312170.

gnomAD v4.1: 7 of 1,096,764 alleles (0.00064%); no homozygotes.

Submission:

Labcorp Genetics (formerly Invitae), Labcorp
Classification: Uncertain significance for Pyruvate dehydrogenase E1-alpha deficiency. Last evaluated: 2024-12-04. Review status: criteria provided, single submitter. Criteria: Invitae Variant Classification Sherloc (09022015). Collection method: clinical testing. Allele origin: germline.
Comment: This sequence change falls in intron 2 of the PDHA1 gene. It does not directly change the encoded amino acid sequence of the PDHA1 protein. It affects a nucleotide within the consensus splice site. This variant is present in population databases (no rsID available, gnomAD no frequency), including at least one homozygous and/or hemizygous individual. This variant has not been reported in the literature in individuals affected with PDHA1-related conditions. Variants that disrupt the consensus splice site are a relatively common cause of aberrant splicing (PMID: 17576681, 9536098). Algorithms developed to predict the effect of sequence changes on RNA splicing suggest that this variant is not likely to affect RNA splicing. In summary, the available evidence is currently insufficient to determine the role of this variant in disease. Therefore, it has been classified as a Variant of Uncertain Significance.

Literature cited by the submitters: PubMed 17576681; PubMed 9536098.